The following is an entry in ClinVar:

NM_006073.4(TRDN):c.1631A>T (p.Asp544Val)

Gene: TRDN (triadin; minus strand). Cytogenetic location: 6q22.31.
Variant type: single nucleotide variant.
Coding change: c.1631A>T on transcript NM_006073.4 (MANE Select); coding-DNA position 1631, A replaced by T.
Protein change: p.Asp544Val; replaces aspartic acid 544 with valine.
Molecular consequence: missense variant.
Genome position (GRCh38, 1-based): chr6:123,273,005, T>A on the plus strand (A>T on the coding strand, the complement: TRDN is on the minus strand). VCF-style: chr6-123273005-T-A. GRCh37 (hg19) VCF-style: chr6-123594150-T-A.
Other names: short protein forms D544V.
Identifiers: ClinVar variation 1493461 (VCV001493461.8), dbSNP rs1417883411, ClinGen allele CA365564965.

ClinVar aggregate classification (germline): Uncertain significance (1 of 4 stars; one submission).

Conditions:
Catecholaminergic polymorphic ventricular tachycardia 1. Also called: VENTRICULAR TACHYCARDIA, CATECHOLAMINERGIC POLYMORPHIC, 1, WITH OR WITHOUT ATRIAL DYSFUNCTION AND/OR DILATED CARDIOMYOPATHY; VENTRICULAR TACHYCARDIA, STRESS-INDUCED POLYMORPHIC 1; RYR2-Related Catecholaminergic Polymorphic Ventricular Tachycardia. Identifiers: Orphanet 3286, MedGen C1631597, MONDO:0011484, OMIM 604772.

Allele frequency attached by ClinVar (database versions not stated): gnomAD exomes below 0.00001 and 0.00001.
gnomAD v4.1: 4 of 1,512,556 alleles (0.00026%); highest among the groups gnomAD compares: East Asian, 0.005%; no homozygotes.

Submission:

Labcorp Genetics (formerly Invitae), Labcorp
Classification: Uncertain significance for Catecholaminergic polymorphic ventricular tachycardia 1. Last evaluated: 2022-03-03. Review status: criteria provided, single submitter. Criteria: Invitae Variant Classification Sherloc (09022015). Collection method: clinical testing. Allele origin: germline.
Comment: This sequence change replaces aspartic acid, which is acidic and polar, with valine, which is neutral and non-polar, at codon 544 of the TRDN protein (p.Asp544Val). This variant is present in population databases (no rsID available, gnomAD 0.01%). This variant has not been reported in the literature in individuals affected with TRDN-related conditions. Algorithms developed to predict the effect of missense changes on protein structure and function are either unavailable or do not agree on the potential impact of this missense change (SIFT: "Deleterious"; PolyPhen-2: "Possibly Damaging"; Align-GVGD: "Class C0"). In summary, the available evidence is currently insufficient to determine the role of this variant in disease. Therefore, it has been classified as a Variant of Uncertain Significance.